The following is an entry in ClinVar:

NM_032221.5(CHD6):c.6741A>T (p.Ser2247=)

Gene: CHD6 (chromodomain helicase DNA binding protein 6; minus strand). Cytogenetic location: 20q12.
Variant type: single nucleotide variant.
Coding change: c.6741A>T on transcript NM_032221.5 (MANE Select); coding-DNA position 6741, A replaced by T.
Protein change: p.Ser2247=; no amino-acid change (serine 2247 retained).
Molecular consequence: synonymous variant.
Genome position (GRCh38, 1-based): chr20:41,415,384, T>A on the plus strand (A>T on the coding strand, the complement: CHD6 is on the minus strand). VCF-style: chr20-41415384-T-A. GRCh37 (hg19) VCF-style: chr20-40044024-T-A.
Identifiers: ClinVar variation 2652333 (VCV002652333.24), dbSNP rs2515869790, ClinGen allele CA510735387.

ClinVar aggregate classification (germline): Likely benign (1 of 4 stars; one submission).

Allele frequency attached by ClinVar (database versions not stated): gnomAD exomes below 0.00001.
gnomAD v4.1: 2 of 1,613,808 alleles (0.00012%); highest among the groups gnomAD compares: Non-Finnish European, 0.00017%; no homozygotes.

Submission:

CeGaT Center for Human Genetics Tuebingen
Classification: Likely benign. Last evaluated: 2022-06-01. Review status: criteria provided, single submitter. Criteria: CeGaT Center For Human Genetics Tuebingen Variant Classification Criteria Version 2. Collection method: clinical testing. Allele origin: germline. Affected: yes. Observed: 1 variant allele.
Comment: CHD6: PM2:Supporting, BP4, BP7